The following is an entry in ClinVar:

NM_005055.5(RAPSN):c.872G>A (p.Gly291Asp)

Gene: RAPSN (receptor associated protein of the synapse; minus strand). Cytogenetic location: 11p11.2.
Variant type: single nucleotide variant.
Coding change: c.872G>A on transcript NM_005055.5 (MANE Select); coding-DNA position 872, G replaced by A.
Protein change: p.Gly291Asp; replaces glycine 291 with aspartic acid.
Molecular consequence: missense variant. On other transcripts: intron variant (1).
Genome position (GRCh38, 1-based): chr11:47,441,651, C>T on the plus strand (G>A on the coding strand, the complement: RAPSN is on the minus strand). VCF-style: chr11-47441651-C-T. GRCh37 (hg19) VCF-style: chr11-47463203-C-T.
Other names: c.789+172G>A (NM_032645.5); short protein forms G291D.
Identifiers: ClinVar variation 689779 (VCV000689779.16), dbSNP rs374604570, ClinGen allele CA5976598.
Genomic context (GRCh38, chr11:47,441,651, plus strand): 5'-TGGGAAAGGCCCGACCTCACCTTGTCCAGCGCCTTCCTGGCCACCCAGCACTTGGCCACA[C>T]CCAGCAGCGCCTGCACCTGCCCCAGGCGGTTTCCGATCTCGGTCATGATGCTCATGGCGG-3'
Protein context (NP_005046.2, residues 281-301): NRLGQVQALL[Gly291Asp]VAKCWVARKA

ClinVar aggregate classification (germline): Conflicting classifications of pathogenicity. Review status: criteria provided, conflicting classifications (1 of 4 stars). 7 submissions from 5 submitters: Likely pathogenic (5); Uncertain significance (2). Last evaluated 2025-12-25.

Conditions:
Fetal akinesia deformation sequence 1 (FADS1). Also called: Pena-Shokeir syndrome type I; Fetal akinesia sequence. Identifiers: Orphanet 994, MedGen C1276035, MONDO:0100101, OMIM 208150, HP:0001989.
Congenital myasthenic syndrome 11. Also called: MYASTHENIC SYNDROME, CONGENITAL, Ie; Myasthenic syndrome, congenital, 11, associated with acetylcholine receptor deficiency. Identifiers: Orphanet 590, MedGen C4225367, MONDO:0014588, OMIM 616326.
Fetal akinesia deformation sequence 2. Identifiers: MedGen C4760576, MONDO:0100102, OMIM 618388.
Congenital myasthenic syndrome (CMS). Also called: Congenital Myasthenic Syndromes. Identifiers: Orphanet 590, MedGen C0751882, MeSH D020294, MONDO:0018940.

Allele frequency attached by ClinVar (database versions not stated): gnomAD 0.00001; gnomAD exomes 0.00001 and 0.00004; ExAC 0.00003; ESP Exome Variant Server 0.00008.
gnomAD v4.1: 59 of 1,609,122 alleles (0.0037%); highest among the groups gnomAD compares: Non-Finnish European, 0.005%; no homozygotes.

Submissions (7):

Natera, Inc.
Classification: Likely pathogenic for Congenital myasthenic syndrome. Last evaluated: 2025-12-25. Review status: criteria provided, single submitter. Criteria: Natera Variant Classification Schema (03/2026). Collection method: clinical testing. Allele origin: germline.
Comment: The c.872G>A variant in RAPSN is a missense variant predicted to cause substitution of glycine to aspartic acid at amino acid 291. This variant is rare in the general population with a frequency below the threshold expected for the associated phenotype(s). This variant has been observed in one or more individuals affected with the associated recessive disease, as either homozygous or compound heterozygous with a second variant (PMID: 12796535). Additionally, this variant has been observed to segregate in affected family members (PMID: 12796535). Computational prediction algorithms indicate this variant is likely to affect gene or protein function. Given the available evidence, this variant is classified as Likely Pathogenic.

Labcorp Genetics (formerly Invitae), Labcorp
Classification: Likely pathogenic for Congenital myasthenic syndrome 11; Fetal akinesia deformation sequence 1. Last evaluated: 2023-12-12. Review status: criteria provided, single submitter. Criteria: Invitae Variant Classification Sherloc (09022015). Collection method: clinical testing. Allele origin: germline.
Comment: This sequence change replaces glycine, which is neutral and non-polar, with aspartic acid, which is acidic and polar, at codon 291 of the RAPSN protein (p.Gly291Asp). This variant is present in population databases (rs374604570, gnomAD 0.004%). This missense change has been observed in individual(s) with congenital myasthenic syndrome (PMID: 12796535). In at least one individual the data is consistent with being in trans (on the opposite chromosome) from a pathogenic variant. It has also been observed to segregate with disease in related individuals. ClinVar contains an entry for this variant (Variation ID: 689779). Advanced modeling of protein sequence and biophysical properties (such as structural, functional, and spatial information, amino acid conservation, physicochemical variation, residue mobility, and thermodynamic stability) performed at Invitae indicates that this missense variant is not expected to disrupt RAPSN protein function with a negative predictive value of 80%. In summary, the currently available evidence indicates that the variant is pathogenic, but additional data are needed to prove that conclusively. Therefore, this variant has been classified as Likely Pathogenic.

Baylor Genetics
Classification: Likely pathogenic for Fetal akinesia deformation sequence 2. Last evaluated: 2023-03-22. Review status: criteria provided, single submitter. Criteria: ACMG Guidelines, 2015. Collection method: clinical testing. Allele origin: unknown.

Victorian Clinical Genetics Services, Murdoch Childrens Research Institute
Classification: Likely pathogenic for Congenital myasthenic syndrome 11. Last evaluated: 2022-02-02. Review status: criteria provided, single submitter. Criteria: ACMG Guidelines, 2015. Collection method: clinical testing. Allele origin: germline. Inheritance: Autosomal recessive inheritance.
Comment: Based on the classification scheme VCGS_Germline_v1.3.4, this variant is classified as Likely Pathogenic. Following criteria are met: 0102 - Loss of function is a known mechanism of disease in this gene and is associated with fetal akinesia deformation sequence 2 (MIM#618388) and congenital myasthenic syndrome 11 associated with acetylcholine receptor deficiency (MIM#616326). (I) 0106 - This gene is associated with autosomal recessive disease. (I) 0200 - Variant is predicted to result in a missense amino acid change from glycine to aspartic acid. (I) 0251 - This variant is heterozygous. (I) 0304 - Variant is present in gnomAD <0.01 for a recessive condition (v2: 4 heterozygotes, 0 homozygotes). (SP) 0309 - Multiple alternative amino acid changes at the same position have been observed in gnomAD (v2) (highest allele count: v2: 4 heterozygotes, 0 homozygotes). (I) 0502 - Missense variant with conflicting in silico predictions and uninformative conservation. (I) 0600 - Variant is located in the annotated MalT-like TPR region (DECIPHER), a linker region between the last tetratricopeptide repeat and the coiled-coil domain (PMID: 12796535). (I) 0705 - No comparable missense variants have previous evidence for pathogenicity. (I) 0803 - This variant has limited previous evidence of pathogenicity. It has also been reported as a VUS in ClinVar by Baylor in an affected individual. In addition, it was detected in trans with the well-known pathogenic variant p.(Asn88Lys) in two siblings with congenital myasthenic syndrome (PMID: 12796535). (SP) 0905 - No published segregation evidence has been identified for this variant. (I) 1007 - No published functional evidence has been identified for this variant. (I) 1201 - Heterozygous variant detected in trans with a second pathogenic heterozygous variant (NM_005055.5(RAPSN):c.264C>A; p.(Asn88Lys)) in a recessive disease. (I) Legend: (SP) - Supporting pathogenic, (I) - Information, (SB) - Supporting benign

Revvity Omics, Revvity
Classification: Uncertain significance. Last evaluated: 2021-11-11. Review status: criteria provided, single submitter. Criteria: ACMG Guidelines, 2015. Collection method: clinical testing. Allele origin: germline.

Baylor Genetics
Classification: Uncertain significance for Fetal akinesia deformation sequence 1; Congenital myasthenic syndrome 11. Last evaluated: 2012-08-10. Review status: criteria provided, single submitter. Criteria: ACMG Guidelines, 2015. Collection method: clinical testing. Allele origin: germline. Affected: yes.

Baylor Genetics
Classification: Likely pathogenic for Congenital myasthenic syndrome 11. Review status: criteria provided, single submitter. Criteria: ACMG Guidelines, 2015. Collection method: clinical testing. Allele origin: unknown.

Literature cited by the submitters: PubMed 12796535 (cited by 4 submitters).